The following is an entry in ClinVar:

NM_001350162.2(TEX15):c.2662C>T (p.Gln888Ter)

Gene: TEX15 (testis expressed 15, meiosis and synapsis associated; minus strand). Cytogenetic location: 8p12.
Variant type: single nucleotide variant.
Coding change: c.2662C>T on transcript NM_001350162.2 (MANE Select); coding-DNA position 2662, C replaced by T.
Protein change: p.Gln888Ter; replaces glutamine 888 with a stop codon.
Molecular consequence: nonsense.
Genome position (GRCh38, 1-based): chr8:30,847,505, G>A on the plus strand (C>T on the coding strand, the complement: TEX15 is on the minus strand). VCF-style: chr8-30847505-G-A. GRCh37 (hg19) VCF-style: chr8-30705021-G-A.
Other names: p.Gln888Ter; short protein forms Q888*.
Identifiers: ClinVar variation 5021118 (VCV005021118.1).

ClinVar aggregate classification (germline): Likely pathogenic (1 of 4 stars; one submission).

Conditions:
Spermatogenic failure 25. Identifiers: MedGen C4693765, MONDO:0054729, OMIM 617960.

Submission:

Department of Molecular Genetics, Istishari Arab Hospital
Classification: Likely pathogenic for Spermatogenic failure 25. Last evaluated: 2026-10-17. Review status: criteria provided, single submitter. Criteria: ACMG Guidelines, 2015. Collection method: clinical testing. Allele origin: germline. Inheritance: Autosomal recessive inheritance. Affected: no.
Comment: The TEX15 variant c.2662C>T p.Gln888Ter is a single nucleotide substitution predicted to introduce a premature termination codon at amino acid position 888, replacing a glutamine residue with a stop signal within the encoded protein in exon 8 (of 11 exons). To the best of our knowledge, this variant has not previously been reported in the literature. It is classified as likely pathogenic based on the implementation of the ACMG/AMP/ClinGen SVI guidelines.